The following is an entry in ClinVar:

ClinVar aggregate classification (germline): Uncertain significance. Review status: criteria provided, multiple submitters, no conflicts (2 of 4 stars). 2 submissions from 2 submitters: Uncertain significance (2). Last evaluated 2024-10-08.

Conditions:
Inborn genetic diseases. Identifiers: MedGen C0950123, MeSH D030342.

Submissions (2):

Ambry Genetics
Classification: Uncertain significance for Inborn genetic diseases. Last evaluated: 2024-10-08. Review status: criteria provided, single submitter. Criteria: Ambry Variant Classification Scheme 2023. Collection method: clinical testing. Allele origin: germline.

Labcorp Genetics (formerly Invitae), Labcorp
Classification: Uncertain significance. Last evaluated: 2023-07-09. Review status: criteria provided, single submitter. Criteria: Invitae Variant Classification Sherloc (09022015). Collection method: clinical testing. Allele origin: germline.
Comment: In summary, the available evidence is currently insufficient to determine the role of this variant in disease. Therefore, it has been classified as a Variant of Uncertain Significance. Algorithms developed to predict the effect of sequence changes on RNA splicing suggest that this variant may disrupt the consensus splice site. Advanced modeling of protein sequence and biophysical properties (such as structural, functional, and spatial information, amino acid conservation, physicochemical variation, residue mobility, and thermodynamic stability) performed at Invitae indicates that this missense variant is not expected to disrupt CLCN7 protein function. This variant has not been reported in the literature in individuals affected with CLCN7-related conditions. This variant is not present in population databases (gnomAD no frequency). This sequence change replaces alanine, which is neutral and non-polar, with serine, which is neutral and polar, at codon 195 of the CLCN7 protein (p.Ala195Ser).

NM_001287.6(CLCN7):c.583G>T (p.Ala195Ser)

Gene: CLCN7 (chloride voltage-gated channel 7; minus strand). Cytogenetic location: 16p13.3.
Variant type: single nucleotide variant.
Coding change: c.583G>T on transcript NM_001287.6 (MANE Select); coding-DNA position 583, G replaced by T.
Protein change: p.Ala195Ser; replaces alanine 195 with serine.
Molecular consequence: missense variant.
Genome position (GRCh38, 1-based): chr16:1,460,429, C>A on the plus strand (G>T on the coding strand, the complement: CLCN7 is on the minus strand). VCF-style: chr16-1460429-C-A. GRCh37 (hg19) VCF-style: chr16-1510430-C-A.
Other names: c.583G>T (NM_001287.4); c.511G>T, p.Ala171Ser (NM_001114331.3); short protein forms A171S, A195S.
Identifiers: ClinVar variation 2982231 (VCV002982231.4), dbSNP rs2505843912, ClinGen allele CA394192064.